The following is an entry in ClinVar:

ClinVar aggregate classification (germline): Uncertain significance (1 of 4 stars; one submission).

Conditions:
Primary ciliary dyskinesia. Also called: Ciliary dyskinesia. Identifiers: Orphanet 244, MedGen C0008780, MONDO:0016575, HP:0012265.

Submission:

Labcorp Genetics (formerly Invitae), Labcorp
Classification: Uncertain significance for Primary ciliary dyskinesia. Last evaluated: 2025-05-08. Review status: criteria provided, single submitter. Criteria: Invitae Variant Classification Sherloc (09022015). Collection method: clinical testing. Allele origin: germline.
Comment: This sequence change replaces phenylalanine, which is neutral and non-polar, with tyrosine, which is neutral and polar, at codon 1140 of the RPGR (ORF15) protein (p.Phe1140Tyr). This variant is not present in population databases (gnomAD no frequency). This missense change has been observed in individual(s) with RPGR-related conditions (internal data). Invitae Evidence Modeling of protein sequence and biophysical properties (such as structural, functional, and spatial information, amino acid conservation, physicochemical variation, residue mobility, and thermodynamic stability) indicates that this missense variant is not expected to disrupt RPGR (ORF15) protein function with a negative predictive value of 95%. In summary, the available evidence is currently insufficient to determine the role of this variant in disease. Therefore, it has been classified as a Variant of Uncertain Significance.

NM_001034853.2(RPGR):c.3419T>A (p.Phe1140Tyr)

Gene: RPGR (retinitis pigmentosa GTPase regulator; minus strand). Cytogenetic location: Xp11.4.
Variant type: single nucleotide variant.
Coding change: c.3419T>A on transcript NM_001034853.2 (MANE Select); coding-DNA position 3419, T replaced by A.
Protein change: p.Phe1140Tyr; replaces phenylalanine 1140 with tyrosine.
Molecular consequence: missense variant. On other transcripts: intron variant (8).
Genome position (GRCh38, 1-based): chrX:38,285,580, A>T on the plus strand (T>A on the coding strand, the complement: RPGR is on the minus strand). VCF-style: chrX-38285580-A-T. GRCh37 (hg19) VCF-style: chrX-38144833-A-T.
Other names: c.1569+5379T>A (NM_001367249.1, NM_001367250.1); c.1902+1514T>A (NM_001367245.1); c.1386+5379T>A (NM_001367251.1); c.1719+1514T>A (NM_001367246.1); c.1572+5379T>A (NM_001367247.1); c.1905+1514T>A (NM_000328.3); c.1602+5379T>A (NM_001367248.1); short protein forms F1140Y.
Identifiers: ClinVar variation 4801001 (VCV004801001.1).
Genomic context (GRCh38, chrX:38,285,580, plus strand): 5'-CGGGTCACATTTAAGGTTTGTTACTTCAATTCCAAGTAATGTGGTAATACATTATTCCAG[A>T]ACTTTTTGGAACCTGATGGCCCGTTTTTTAAAAGTCGTTTTGACTGGACTGGCATTTTGG-3'
Protein context (NP_001030025.1, residues 1130-1150): LKNGPSGSKK[Phe1140Tyr]WNNVLPHYLE